The following is an entry in ClinVar:

ClinVar aggregate classification (germline): Likely pathogenic (1 of 4 stars; one submission).

Conditions:
Frontotemporal dementia (FTD1). Also called: Frontotemporal lobe dementia (FLDEM); Frontotemporal Dementia with Parkinsonism-17 (FTDP-17); FRONTOTEMPORAL DEMENTIA WITH PARKINSONISM; FRONTOTEMPORAL LOBE DEMENTIA; MULTIPLE SYSTEM TAUOPATHY WITH PRESENILE DEMENTIA; WILHELMSEN-LYNCH DISEASE. Identifiers: Orphanet 282, MedGen C0338451, MONDO:0017276, OMIM 600274, HP:0002145.

Submission:

Human Genetics Group at Institute of Prion Diseases London, University College London
Classification: Likely pathogenic for Frontotemporal dementia. Last evaluated: 2017-02-01. Review status: criteria provided, single submitter. Criteria: Koriath et al. 2018. Collection method: research. Allele origin: inherited. Affected: yes. Observed: 1 variant allele.
Comment: not on exac. aminoacid change from polar to hydrophobic in the 1st luminal part of PSEN1, close and adjacent to pathogenic mutations with no charge change

Confirmed by Sanger sequencing

NM_000021.4(PSEN1):c.364A>G (p.Thr122Ala)

Gene: PSEN1 (presenilin 1; plus strand). Cytogenetic location: 14q24.2.
Variant type: single nucleotide variant.
Coding change: c.364A>G on transcript NM_000021.4 (MANE Select); coding-DNA position 364, A replaced by G.
Protein change: p.Thr122Ala; replaces threonine 122 with alanine.
Molecular consequence: missense variant.
Genome position (GRCh38, 1-based): chr14:73,173,591, A>G. VCF-style: chr14-73173591-A-G. GRCh37 (hg19) VCF-style: chr14-73640299-A-G.
Other names: c.352A>G, p.Thr118Ala (NM_007318.3); short protein forms T122A, T118A.
Identifiers: ClinVar variation 599626 (VCV000599626.1), dbSNP rs1566630811, ClinGen allele CA390304742.